The following is an entry in ClinVar:

ClinVar aggregate classification (germline): Pathogenic/Likely pathogenic. Review status: criteria provided, multiple submitters, no conflicts (2 of 4 stars). 4 submissions from 4 submitters: Pathogenic (1); Likely pathogenic (3). Last evaluated 2025-10-06.

Conditions:
Arthrogryposis multiplex congenita 6. Identifiers: MedGen C5543431, MONDO:0030281, OMIM 619334.
Nemaline myopathy 2 (NEM2). Also called: Nemaline myopathy 2, autosomal recessive. Identifiers: MedGen C1850569, MONDO:0009725, OMIM 256030.

Submissions (4):

Natera, Inc.
Classification: Likely pathogenic for Nemaline myopathy type 2. Last evaluated: 2025-10-06. Review status: criteria provided, single submitter. Criteria: Natera Variant Classification Schema (03/2026). Collection method: clinical testing. Allele origin: germline.
Comment: The c.17828delA variant in NEB is a frameshift variant predicted to shift the reading frame beginning at codon 5943 and leads to a stop codon 7 codons downstream. This variant is expected to result in nonsense mediated decay, truncation, or a dysfunctional protein product. This variant is rare in the general population with a frequency below the threshold expected for the associated phenotype(s). Given the available evidence, this variant is classified as Likely Pathogenic.

GeneDx
Classification: Likely pathogenic. Last evaluated: 2025-01-09. Review status: criteria provided, single submitter. Criteria: GeneDx Variant Classification Process June 2021. Collection method: clinical testing. Allele origin: germline.
Comment: Frameshift variant predicted to result in protein truncation or nonsense mediated decay in a gene for which loss of function is a known mechanism of disease; Not observed at significant frequency in large population cohorts (gnomAD); Has not been previously published as pathogenic or benign to our knowledge; This variant is associated with the following publications: (PMID: 25205138)

Labcorp Genetics (formerly Invitae), Labcorp
Classification: Pathogenic for Nemaline myopathy 2. Last evaluated: 2025-01-04. Review status: criteria provided, single submitter. Criteria: Invitae Variant Classification Sherloc (09022015). Collection method: clinical testing. Allele origin: germline.
Comment: This sequence change creates a premature translational stop signal (p.Asn5943Metfs*7) in the NEB gene. It is expected to result in an absent or disrupted protein product. Loss-of-function variants in NEB are known to be pathogenic (PMID: 25205138). This variant is not present in population databases (gnomAD no frequency). This variant has not been reported in the literature in individuals affected with NEB-related conditions. ClinVar contains an entry for this variant (Variation ID: 581901). Algorithms developed to predict the effect of sequence changes on RNA splicing suggest that this variant may disrupt the consensus splice site. For these reasons, this variant has been classified as Pathogenic.

Fulgent Genetics
Classification: Likely pathogenic for Nemaline myopathy 2; Arthrogryposis multiplex congenita 6. Last evaluated: 2021-07-16. Review status: criteria provided, single submitter. Criteria: ACMG Guidelines, 2015. Collection method: clinical testing. Allele origin: unknown.

Literature cited by the submitters: PubMed 25205138 (cited by Labcorp Genetics (formerly Invitae), Labcorp).

NM_001164508.2(NEB):c.17828del (p.Asn5943fs)

Gene: NEB (nebulin; minus strand). Cytogenetic location: 2q23.3.
Variant type: Deletion.
Coding change: c.17828del on transcript NM_001164508.2 (MANE Select); coding-DNA position 17828, one base deleted (A; older notation c.17828delA).
Protein change: p.Asn5943fs; shifts the reading frame from asparagine 5943.
Molecular consequence: frameshift variant.
Genome position (GRCh38, 1-based): chr2:151,568,087, T deleted on the plus strand (A on the coding strand, the reverse complement: NEB is on the minus strand); the first of 2 consecutive T bases (chr2:151,568,087-151,568,088); deleting either gives the same sequence. VCF-style (leftmost placement, unchanged base first): chr2-151568086-AT-A. GRCh37 (hg19) VCF-style: chr2-152424600-AT-A.
Other names: c.17828del, p.Asn5943fs (NM_001164507.2, NM_001271208.2); c.12725del, p.Asn4242fs (NM_004543.5); c.17828delA (NM_001271208.1); short protein forms N4242fs, N5943fs.
Identifiers: ClinVar variation 581901 (VCV000581901.10), dbSNP rs1560031341, ClinGen allele CA891842952.
Genomic context (GRCh38, chr2:151,568,086, plus strand): 5'-CAAGGTCCCACTTTTGCAAAATGCACTCCCATCAGGATGTATTACCTCACTCTGAACGTC[AT>A]TGCAGTGATGGGCATGAACAAATGGCACAGCATCTGGAGGCAAAATGTAACCTGTGGCTT-3'